The following is an entry in ClinVar:

ClinVar aggregate classification (germline): Uncertain significance (1 of 4 stars; one submission).

Conditions:
Carnitine palmitoyltransferase II deficiency. Also called: Carnitine Palmitoyltransferase 2 Deficiency. Identifiers: Orphanet 157, MedGen C0342790, MONDO:0015515.

Allele frequency attached by ClinVar (database versions not stated): TOPMed below 0.00001; gnomAD exomes 0.00001.
gnomAD v4.1: 5 of 1,610,458 alleles (0.00031%); highest among the groups gnomAD compares: Non-Finnish European, 0.00034%; no homozygotes.

Submission:

Labcorp Genetics (formerly Invitae), Labcorp
Classification: Uncertain significance for Carnitine palmitoyltransferase II deficiency. Last evaluated: 2021-09-01. Review status: criteria provided, single submitter. Criteria: Invitae Variant Classification Sherloc (09022015). Collection method: clinical testing. Allele origin: germline.
Comment: This sequence change replaces threonine with alanine at codon 499 of the CPT2 protein (p.Thr499Ala). The threonine residue is highly conserved and there is a small physicochemical difference between threonine and alanine. This variant is not present in population databases (ExAC no frequency). This variant has not been reported in the literature in individuals affected with CPT2-related conditions. Algorithms developed to predict the effect of missense changes on protein structure and function are either unavailable or do not agree on the potential impact of this missense change (SIFT: "Deleterious"; PolyPhen-2: "Probably Damaging"; Align-GVGD: "Class C0"). In summary, the available evidence is currently insufficient to determine the role of this variant in disease. Therefore, it has been classified as a Variant of Uncertain Significance.

NM_000098.3(CPT2):c.1495A>G (p.Thr499Ala)

Gene: CPT2 (carnitine palmitoyltransferase 2; plus strand). Cytogenetic location: 1p32.3.
Variant type: single nucleotide variant.
Coding change: c.1495A>G on transcript NM_000098.3 (MANE Select); coding-DNA position 1495, A replaced by G.
Protein change: p.Thr499Ala; replaces threonine 499 with alanine.
Molecular consequence: missense variant.
Genome position (GRCh38, 1-based): chr1:53,211,169, A>G. VCF-style: chr1-53211169-A-G. GRCh37 (hg19) VCF-style: chr1-53676841-A-G.
Other names: c.1495A>G, p.Thr499Ala (NM_001330589.2); short protein forms T499A.
Identifiers: ClinVar variation 2420037 (VCV002420037.3), dbSNP rs1572385845, ClinGen allele CA340396586.